The following is an entry in ClinVar:

ClinVar aggregate classification (germline): Uncertain significance (1 of 4 stars; one submission).

Conditions:
Inborn genetic diseases. Identifiers: MedGen C0950123, MeSH D030342.

Submission:

Ambry Genetics
Classification: Uncertain significance for Inborn genetic diseases. Last evaluated: 2026-08-15. Review status: criteria provided, single submitter. Criteria: Ambry Variant Classification Scheme 2023. Collection method: clinical testing. Allele origin: germline.
Comment: The p.K396Q variant (also known as c.1186A>C), located in coding exon 1 of the SAMD9 gene, results from an A to C substitution at nucleotide position 1186. The lysine at codon 396 is replaced by glutamine, an amino acid with similar properties. This amino acid position is conserved. In addition, this alteration is predicted to be tolerated by in silico analysis. Based on the available evidence, the clinical significance of this variant remains unclear.

NM_017654.4(SAMD9):c.1186A>C (p.Lys396Gln)

Gene: SAMD9 (sterile alpha motif domain containing 9; minus strand). Cytogenetic location: 7q21.2.
Variant type: single nucleotide variant.
Coding change: c.1186A>C on transcript NM_017654.4 (MANE Select); coding-DNA position 1186, A replaced by C.
Protein change: p.Lys396Gln; replaces lysine 396 with glutamine.
Molecular consequence: missense variant.
Genome position (GRCh38, 1-based): chr7:93,104,912, T>G on the plus strand (A>C on the coding strand, the complement: SAMD9 is on the minus strand). VCF-style: chr7-93104912-T-G. GRCh37 (hg19) VCF-style: chr7-92734225-T-G.
Other names: c.1186A>C, p.Lys396Gln (NM_001193307.2); short protein forms K396Q.
Identifiers: ClinVar variation 5028789 (VCV005028789.1).
Genomic context (GRCh38, chr7:93,104,912, plus strand): 5'-CAAGAATGTACTGTTCATAGTATGAATTATCTAACAAATCTTGATTTCCTGTCAATAATT[T>G]AACCAACTTTGGTCCCTCTCTTTCTTTTTTATTTGTTTTTGCTCTGAATTTTTCTTCTGC-3'
Protein context (NP_060124.2, residues 386-406): KKEREGPKLV[Lys396Gln]LLTGNQDLLD